The following is an entry in ClinVar:

NM_024928.5(STN1):c.724C>T (p.Pro242Ser)

Gene: STN1 (STN1 subunit of CST complex; minus strand). Cytogenetic location: 10q24.33.
Variant type: single nucleotide variant.
Coding change: c.724C>T on transcript NM_024928.5 (MANE Select); coding-DNA position 724, C replaced by T.
Protein change: p.Pro242Ser; replaces proline 242 with serine.
Molecular consequence: missense variant.
Genome position (GRCh38, 1-based): chr10:103,897,577, G>A on the plus strand (C>T on the coding strand, the complement: STN1 is on the minus strand). VCF-style: chr10-103897577-G-A. GRCh37 (hg19) VCF-style: chr10-105657335-G-A.
Other names: short protein forms P242S.
Identifiers: ClinVar variation 3681854 (VCV003681854.2).
Genomic context (GRCh38, chr10:103,897,577, plus strand): 5'-CAGAATTCTCACATGGGCATGCTGCACTCACTTGGTCGGAGGAGGCACTGTGAATCACAG[G>A]CTGATTGGCAAGGGACAGCAAAGACTCCACCATTTCCAGCTCCTGCTGGTAAAAGCTCTG-3'
Protein context (NP_079204.2, residues 232-252): VESLLSLANQ[Pro242Ser]VIHSASSDQV

ClinVar aggregate classification (germline): Uncertain significance (1 of 4 stars; one submission).

Submission:

Labcorp Genetics (formerly Invitae), Labcorp
Classification: Uncertain significance. Last evaluated: 2024-12-18. Review status: criteria provided, single submitter. Criteria: Invitae Variant Classification Sherloc (09022015). Collection method: clinical testing. Allele origin: germline.
Comment: This sequence change replaces proline, which is neutral and non-polar, with serine, which is neutral and polar, at codon 242 of the STN1 protein (p.Pro242Ser). This variant is not present in population databases (gnomAD no frequency). This variant has not been reported in the literature in individuals affected with STN1-related conditions. Invitae Evidence Modeling of protein sequence and biophysical properties (such as structural, functional, and spatial information, amino acid conservation, physicochemical variation, residue mobility, and thermodynamic stability) indicates that this missense variant is not expected to disrupt STN1 protein function with a negative predictive value of 80%. In summary, the available evidence is currently insufficient to determine the role of this variant in disease. Therefore, it has been classified as a Variant of Uncertain Significance.